The following is an entry in ClinVar:

ClinVar aggregate classification (germline): Uncertain significance. Review status: criteria provided, multiple submitters, no conflicts (2 of 4 stars). 2 submissions from 2 submitters: Uncertain significance (2). Last evaluated 2026-04-25.

Conditions:
Renal cell carcinoma. Identifiers: Orphanet 217071, MedGen C0007134, MeSH D002292, MONDO:0005086, HP:0005584.
Hereditary cancer-predisposing syndrome. Also called: Hereditary neoplastic syndrome; Neoplastic Syndromes, Hereditary; Tumor predisposition; Hereditary Cancer Syndrome. Identifiers: Orphanet 140162, MedGen C0027672, MeSH D009386, MONDO:0015356.

Submissions (2):

Ambry Genetics
Classification: Uncertain significance for Hereditary cancer-predisposing syndrome. Last evaluated: 2026-04-25. Review status: criteria provided, single submitter. Criteria: Ambry Variant Classification Scheme 2023. Collection method: clinical testing. Allele origin: germline.
Comment: The p.N803I variant (also known as c.2408A>T), located in coding exon 9 of the MET gene, results from an A to T substitution at nucleotide position 2408. The asparagine at codon 803 is replaced by isoleucine, an amino acid with dissimilar properties. This amino acid position is conserved. In addition, the in silico prediction for this alteration is inconclusive. Based on the available evidence, the clinical significance of this variant remains unclear.

Labcorp Genetics (formerly Invitae), Labcorp
Classification: Uncertain significance for Renal cell carcinoma. Last evaluated: 2023-08-16. Review status: criteria provided, single submitter. Criteria: Invitae Variant Classification Sherloc (09022015). Collection method: clinical testing. Allele origin: germline.
Comment: In summary, the available evidence is currently insufficient to determine the role of this variant in disease. Therefore, it has been classified as a Variant of Uncertain Significance. Advanced modeling of protein sequence and biophysical properties (such as structural, functional, and spatial information, amino acid conservation, physicochemical variation, residue mobility, and thermodynamic stability) performed at Invitae indicates that this missense variant is not expected to disrupt MET protein function. This variant has not been reported in the literature in individuals affected with MET-related conditions. This variant is not present in population databases (gnomAD no frequency). This sequence change replaces asparagine, which is neutral and polar, with isoleucine, which is neutral and non-polar, at codon 803 of the MET protein (p.Asn803Ile).

NM_000245.4(MET):c.2354A>T (p.Asn785Ile)

Gene: MET (MET proto-oncogene, receptor tyrosine kinase; plus strand). Cytogenetic location: 7q31.2.
Variant type: single nucleotide variant.
Coding change: c.2354A>T on transcript NM_000245.4 (MANE Select); coding-DNA position 2354, A replaced by T.
Protein change: p.Asn785Ile; replaces asparagine 785 with isoleucine.
Molecular consequence: missense variant.
Genome position (GRCh38, 1-based): chr7:116,759,480, A>T. VCF-style: chr7-116759480-A-T. GRCh37 (hg19) VCF-style: chr7-116399534-A-T.
Other names: c.2408A>T, p.Asn803Ile (NM_001127500.3); c.2354A>T, p.Asn785Ile (NM_001324401.3); c.1064A>T, p.Asn355Ile (NM_001324402.2); short protein forms N355I, N785I, N803I.
Identifiers: ClinVar variation 3011851 (VCV003011851.4), dbSNP rs2116939184, ClinGen allele CA368982545.